The following is an entry in ClinVar:

ClinVar aggregate classification (germline): Uncertain significance (1 of 4 stars; one submission).

Conditions:
Epileptic encephalopathy. Identifiers: MedGen C0543888, HP:0200134.

Allele frequency attached by ClinVar (database versions not stated): gnomAD exomes below 0.00001.
gnomAD v4.1: 3 of 1,613,210 alleles (0.00019%); highest among the groups gnomAD compares: Non-Finnish European, 0.00017%; no homozygotes.

Submission:

Labcorp Genetics (formerly Invitae), Labcorp
Classification: Uncertain significance for Epileptic encephalopathy. Last evaluated: 2020-10-08. Review status: criteria provided, single submitter. Criteria: Invitae Variant Classification Sherloc (09022015). Collection method: clinical testing. Allele origin: germline.
Comment: This sequence change replaces tyrosine with asparagine at codon 366 of the RYR3 protein (p.Tyr366Asn). The tyrosine residue is moderately conserved and there is a large physicochemical difference between tyrosine and asparagine. In summary, the available evidence is currently insufficient to determine the role of this variant in disease. Therefore, it has been classified as a Variant of Uncertain Significance. Algorithms developed to predict the effect of missense changes on protein structure and function are either unavailable or do not agree on the potential impact of this missense change (SIFT: "Deleterious"; PolyPhen-2: "Probably Damaging"; Align-GVGD: "Class C0"). This variant has not been reported in the literature in individuals with RYR3-related conditions. This variant is not present in population databases (ExAC no frequency).

NM_001036.6(RYR3):c.1096T>A (p.Tyr366Asn)

Gene: RYR3 (ryanodine receptor 3; plus strand). Cytogenetic location: 15q14.
Variant type: single nucleotide variant.
Coding change: c.1096T>A on transcript NM_001036.6 (MANE Select); coding-DNA position 1096, T replaced by A.
Protein change: p.Tyr366Asn; replaces tyrosine 366 with asparagine.
Molecular consequence: missense variant.
Genome position (GRCh38, 1-based): chr15:33,562,960, T>A. VCF-style: chr15-33562960-T-A. GRCh37 (hg19) VCF-style: chr15-33855161-T-A.
Other names: c.1096T>A, p.Tyr366Asn (NM_001243996.4); short protein forms Y366N.
Identifiers: ClinVar variation 1007741 (VCV001007741.8), dbSNP rs2057491445, ClinGen allele CA391565046.